The following is an entry in ClinVar:

NM_001257293.2(HNRNPH1):c.8T>G (p.Leu3Trp)

Genes: HNRNPH1 (heterogeneous nuclear ribonucleoprotein H1; minus strand), LOC128966623 (uncharacterized LOC128966623; plus strand). Cytogenetic location: 5q35.3.
Variant type: single nucleotide variant.
Coding change: c.8T>G on transcript NM_001257293.2 (MANE Select); coding-DNA position 8, T replaced by G.
Protein change: p.Leu3Trp; replaces leucine 3 with tryptophan.
Molecular consequence: missense variant. On other transcripts: 5 prime UTR variant (5).
Genome position (GRCh38, 1-based): chr5:179,623,126, A>C on the plus strand (T>G on the coding strand, the complement: HNRNPH1 is on the minus strand). VCF-style: chr5-179623126-A-C. GRCh37 (hg19) VCF-style: chr5-179050127-A-C.
Other names: c.8T>G, p.Leu3Trp (NM_001363572.2, NM_001364225.2, NM_001364226.2 and 24 more transcripts); c.-457T>G (NM_001364251.2, NM_001364252.2, NM_001364253.2 and 2 more transcripts); short protein forms L3W.
Identifiers: ClinVar variation 1312340 (VCV001312340.3), dbSNP rs2127710612, ClinGen allele CA362441089.

ClinVar aggregate classification (germline): Uncertain significance (1 of 4 stars; one submission).

Submission:

GeneDx
Classification: Uncertain significance. Last evaluated: 2024-09-25. Review status: criteria provided, single submitter. Criteria: GeneDx Variant Classification Process June 2021. Collection method: clinical testing. Allele origin: germline. Affected: yes.
Comment: Not observed at significant frequency in large population cohorts (gnomAD); In silico analysis supports that this missense variant has a deleterious effect on protein structure/function; Has not been previously published as pathogenic or benign to our knowledge